The following is an entry in ClinVar:

ClinVar aggregate classification (germline): Uncertain significance (1 of 4 stars; one submission).

gnomAD v4.1: 1 of 1,614,074 alleles (0.000062%); highest among the groups gnomAD compares: Non-Finnish European, 0.000085%; no homozygotes.

Submission:

CeGaT Center for Human Genetics Tuebingen
Classification: Uncertain significance. Last evaluated: 2024-06-01. Review status: criteria provided, single submitter. Criteria: CeGaT Center For Human Genetics Tuebingen Variant Classification Criteria Version 2. Collection method: clinical testing. Allele origin: germline. Affected: yes. Observed: 1 variant allele.
Comment: KDM3B: PM2

NM_016604.4(KDM3B):c.1877C>T (p.Pro626Leu)

Gene: KDM3B (lysine demethylase 3B; plus strand). Cytogenetic location: 5q31.2.
Variant type: single nucleotide variant.
Coding change: c.1877C>T on transcript NM_016604.4 (MANE Select); coding-DNA position 1877, C replaced by T.
Protein change: p.Pro626Leu; replaces proline 626 with leucine.
Molecular consequence: missense variant.
Genome position (GRCh38, 1-based): chr5:138,391,509, C>T. VCF-style: chr5-138391509-C-T. GRCh37 (hg19) VCF-style: chr5-137727198-C-T.
Other names: short protein forms P626L.
Identifiers: ClinVar variation 3251084 (VCV003251084.18), dbSNP rs2480209254.